The following is an entry in ClinVar:

NM_021942.6(TRAPPC11):c.114C>T (p.Asp38=)

Gene: TRAPPC11 (trafficking protein particle complex subunit 11; plus strand). Cytogenetic location: 4q35.1.
Variant type: single nucleotide variant.
Coding change: c.114C>T on transcript NM_021942.6 (MANE Select); coding-DNA position 114, C replaced by T.
Protein change: p.Asp38=; no amino-acid change (aspartic acid 38 retained).
Molecular consequence: synonymous variant.
Genome position (GRCh38, 1-based): chr4:183,663,981, C>T. VCF-style: chr4-183663981-C-T. GRCh37 (hg19) VCF-style: chr4-184585134-C-T.
Other names: c.114C>T, p.Asp38= (NM_199053.3).
Identifiers: ClinVar variation 1132757 (VCV001132757.33), dbSNP rs140219590, ClinGen allele CA3151482.

ClinVar aggregate classification (germline): Likely benign. Review status: criteria provided, multiple submitters, no conflicts (2 of 4 stars). 2 submissions from 2 submitters: Likely benign (2). Last evaluated 2026-03-01.

Conditions:
Autosomal recessive limb-girdle muscular dystrophy type R18 (LGMDR18). Also called: Autosomal recessive limb-girdle muscular dystrophy type 2S; MUSCULAR DYSTROPHY, LIMB-GIRDLE, AUTOSOMAL RECESSIVE 18; Limb-girdle muscular dystrophy, type 2S. Identifiers: Orphanet 369840, MedGen C4517996, MONDO:0014144, OMIM 615356.

Allele frequency attached by ClinVar (database versions not stated): gnomAD 0.00008; TOPMed 0.00009; ExAC 0.00010; gnomAD exomes 0.00014 and 0.00016; ESP Exome Variant Server 0.00015.
gnomAD v4.1: 251 of 1,613,962 alleles (0.016%); highest among the groups gnomAD compares: Non-Finnish European, 0.017%; no homozygotes.

Submissions (2):

CeGaT Center for Human Genetics Tuebingen
Classification: Likely benign. Last evaluated: 2026-03-01. Review status: criteria provided, single submitter. Criteria: CeGaT Center For Human Genetics Tuebingen Variant Classification Criteria Version 2. Collection method: clinical testing. Allele origin: germline. Affected: yes. Observed: 2 variant alleles.
Comment: TRAPPC11: BP4, BP7

Labcorp Genetics (formerly Invitae), Labcorp
Classification: Likely benign for Autosomal recessive limb-girdle muscular dystrophy type R18. Last evaluated: 2026-01-26. Review status: criteria provided, single submitter. Criteria: Invitae Variant Classification Sherloc (09022015). Collection method: clinical testing. Allele origin: germline.